The following is an entry in ClinVar:

NM_194454.3(KRIT1):c.1927_1928del (p.Gln643fs)

Gene: KRIT1 (KRIT1 ankyrin repeat containing; minus strand). Cytogenetic location: 7q21.2.
Variant type: Deletion.
Coding change: c.1927_1928del on transcript NM_194454.3 (MANE Select); coding-DNA positions 1927 to 1928, 2 bases deleted (CA; older notation c.1927_1928delCA).
Protein change: p.Gln643fs; shifts the reading frame from glutamine 643.
Molecular consequence: frameshift variant.
Genome position (GRCh38, 1-based): chr7:92,213,292-92,213,293, TG deleted on the plus strand (CA on the coding strand, the reverse complement: KRIT1 is on the minus strand); deleting any 2 consecutive bases within chr7:92,213,292-92,213,294 gives the same sequence; the c. name uses the placement nearest the transcript's 3' end. VCF-style (leftmost placement, unchanged base first): chr7-92213291-CTG-C. GRCh37 (hg19) VCF-style: chr7-91842605-CTG-C.
Other names: c.1783_1784del, p.Gln595fs (NM_001013406.2, NM_001350669.1, NM_001350670.1); c.1213_1214del, p.Gln405fs (NM_001350671.1); c.1927_1928del, p.Gln643fs (NM_001350672.1, NM_001350673.1, NM_001350674.1 and 26 more transcripts); short protein forms Q595fs, Q405fs, Q643fs.
Identifiers: ClinVar variation 1422325 (VCV001422325.6), dbSNP rs2131308345, ClinGen allele CA2573142406.

ClinVar aggregate classification (germline): Pathogenic (1 of 4 stars; one submission).

Conditions:
Cerebral cavernous malformation (CCM). Also called: Cavernous Hemangioma of Brain; CAVERNOUS ANGIOMA, FAMILIAL; CAVERNOUS ANGIOMATOUS MALFORMATIONS; CEREBRAL CAPILLARY MALFORMATIONS; Cerebral cavernous hemangioma (type); Cerebral cavernous malformations. Identifiers: Orphanet 221061, MedGen C2919945, MONDO:0000820, OMIM 116860, HP:0033522.

Submission:

Labcorp Genetics (formerly Invitae), Labcorp
Classification: Pathogenic for Cerebral cavernous malformation. Last evaluated: 2021-12-24. Review status: criteria provided, single submitter. Criteria: Invitae Variant Classification Sherloc (09022015). Collection method: clinical testing. Allele origin: germline.
Comment: For these reasons, this variant has been classified as Pathogenic. This variant has not been reported in the literature in individuals affected with KRIT1-related conditions. This variant is not present in population databases (gnomAD no frequency). This sequence change creates a premature translational stop signal (p.Gln643Aspfs*11) in the KRIT1 gene. It is expected to result in an absent or disrupted protein product. Loss-of-function variants in KRIT1 are known to be pathogenic (PMID: 10508515, 11222804, 12404106, 24689081).

Literature cited by the submitters: PubMed 10508515; PubMed 11222804; PubMed 12404106; PubMed 24689081.